The following is an entry in ClinVar:

ClinVar aggregate classification (germline): Uncertain significance (1 of 4 stars; one submission).

Conditions:
HCK-related condition.

gnomAD v4.1: 2 of 1,613,830 alleles (0.00012%); highest among the groups gnomAD compares: Non-Finnish European, 0.00017%; no homozygotes.

Submission:

PreventionGenetics, part of Exact Sciences
Classification: Uncertain significance for HCK-related condition. Last evaluated: 2026-08-05. Review status: criteria provided, single submitter. Criteria: ACMG Guidelines, 2015. Collection method: clinical testing. Allele origin: germline.
Comment: The HCK c.169T>C variant is predicted to result in the amino acid substitution p.Ser57Pro. To our knowledge, this variant has not been reported in the literature or in a large population database (gnomAD), indicating this variant is rare. At this time, the clinical significance of this variant is uncertain due to the absence of conclusive functional and genetic evidence.

NM_002110.5(HCK):c.169T>C (p.Ser57Pro)

Gene: HCK (HCK proto-oncogene, Src family tyrosine kinase; plus strand). Cytogenetic location: 20q11.21.
Variant type: single nucleotide variant.
Coding change: c.169T>C on transcript NM_002110.5 (MANE Select); coding-DNA position 169, T replaced by C.
Protein change: p.Ser57Pro; replaces serine 57 with proline.
Molecular consequence: missense variant.
Genome position (GRCh38, 1-based): chr20:32,071,768, T>C. VCF-style: chr20-32071768-T-C. GRCh37 (hg19) VCF-style: chr20-30659571-T-C.
Other names: c.106T>C, p.Ser36Pro (NM_001172129.3, NM_001172131.3, NM_001172133.3); c.169T>C, p.Ser57Pro (NM_001172130.3); c.109T>C, p.Ser37Pro (NM_001172132.3); short protein forms S37P, S36P, S57P.
Identifiers: ClinVar variation 4995682 (VCV004995682.1).